The following is an entry in ClinVar:

NC_000007.13:g.(?_117234964)_(117243856_?)del

Gene: CFTR (CF transmembrane conductance regulator; plus strand). Cytogenetic location: 7q31.2.
Variant type: Deletion.
Identifiers: ClinVar variation 3245675 (VCV003245675.1).

ClinVar aggregate classification (germline): Pathogenic (1 of 4 stars; one submission).

Conditions:
Cystic fibrosis (CF). Also called: MUCOVISCIDOSIS. Identifiers: Orphanet 586, MedGen C0010674, MONDO:0009061, OMIM 219700. Disease mechanism: loss of function.

Submission:

Labcorp Genetics (formerly Invitae), Labcorp
Classification: Pathogenic for Cystic fibrosis. Last evaluated: 2023-06-28. Review status: criteria provided, single submitter. Criteria: Invitae Variant Classification Sherloc (09022015). Collection method: clinical testing. Allele origin: unknown.
Comment: For these reasons, this variant has been classified as Pathogenic. This variant has not been reported in the literature in individuals affected with CFTR-related conditions. This variant is a gross deletion of the genomic region encompassing exon(s) 15-17 of the CFTR gene. This deletion is out-of-frame, and is expected to create a premature termination codon and result in an absent or disrupted protein product. Loss-of-function variants in CFTR are known to be pathogenic (PMID: 1695717, 7691345, 9725922).

Literature cited by the submitters: PubMed 1695717; PubMed 7691345; PubMed 9725922.